The following is an entry in ClinVar:

NM_000642.3(AGL):c.2978del (p.Phe993fs)

Gene: AGL (amylo-alpha-1,6-glucosidase and 4-alpha-glucanotransferase; plus strand). Cytogenetic location: 1p21.2.
Variant type: Deletion.
Coding change: c.2978del on transcript NM_000642.3 (MANE Select); coding-DNA position 2978, one base deleted (T; older notation c.2978delT).
Protein change: p.Phe993fs; shifts the reading frame from phenylalanine 993.
Molecular consequence: frameshift variant.
Genome position (GRCh38, 1-based): chr1:99,891,634, T deleted; the last of 2 consecutive T bases (chr1:99,891,633-99,891,634); deleting either gives the same sequence. VCF-style (leftmost placement, unchanged base first): chr1-99891632-CT-C. GRCh37 (hg19) VCF-style: chr1-100357188-CT-C.
Other names: c.2978del, p.Phe993fs (NM_000028.3, NM_000643.3, NM_000644.3 and 1 more transcripts); c.2930del, p.Phe977fs (NM_000646.3); c.2957del, p.Phe986fs (NM_001425326.1); c.2777del, p.Phe926fs (NM_001425327.1); c.2774del, p.Phe925fs (NM_001425328.1); c.2639del, p.Phe880fs (NM_001425329.1); c.2600del, p.Phe867fs (NM_001425332.1); short protein forms F867fs, F880fs, F925fs, F926fs, F977fs, F986fs, F993fs.
Identifiers: ClinVar variation 4814441 (VCV004814441.1).
Genomic context (GRCh38, chr1:99,891,632, plus strand): 5'-ACCAAATTAACTTTCAAATTTATTTTAATTACAGGTTGGTAAATGGTTGCAGGCTATGTT[CT>C]TCTACCTGAAGCAGATCCCACGTTACCTTATCCCATGTTACTTTGATGCTATATTAATTG-3'

ClinVar aggregate classification (germline): Likely pathogenic (1 of 4 stars; one submission).

Conditions:
Glycogen storage disease type III (GSD3). Also called: FORBES DISEASE; Cori disease. Identifiers: Orphanet 366, MedGen C0017922, MONDO:0009291, OMIM 232400.

Submission:

Natera, Inc.
Classification: Likely pathogenic for Glycogen storage disease type III. Last evaluated: 2025-12-30. Review status: criteria provided, single submitter. Criteria: Natera Variant Classification Schema (03/2026). Collection method: clinical testing. Allele origin: germline.
Comment: The c.2978del variant in AGL is a frameshift variant predicted to shift the reading frame beginning at codon 993 and leads to a stop codon 3 codons downstream. This variant is expected to result in nonsense mediated decay, truncation, or a dysfunctional protein product. This variant is rare in the general population with a frequency below the threshold expected for the associated phenotype(s). Given the available evidence, this variant is classified as Likely Pathogenic.